The following is an entry in ClinVar:

ClinVar aggregate classification (germline): Uncertain significance (1 of 4 stars; one submission).

Allele frequency attached by ClinVar (database versions not stated): gnomAD exomes below 0.00001.
gnomAD v4.1: 1 of 1,614,236 alleles (0.000062%); highest among the groups gnomAD compares: Non-Finnish European, 0.000085%; no homozygotes.

Submission:

Ambry Genetics
Classification: Uncertain significance. Last evaluated: 2023-12-31. Review status: criteria provided, single submitter. Criteria: Ambry Variant Classification Scheme 2023. Collection method: clinical testing. Allele origin: germline.
Comment: The p.N473Y variant (also known as c.1417A>T), located in coding exon 13 of the NPAT gene, results from an A to T substitution at nucleotide position 1417. The asparagine at codon 473 is replaced by tyrosine, an amino acid with dissimilar properties. This amino acid position is conserved. In addition, this alteration is predicted to be tolerated by in silico analysis. Since supporting evidence is limited at this time, the clinical significance of this alteration remains unclear.

NM_002519.3(NPAT):c.1417A>T (p.Asn473Tyr)

Gene: NPAT (nuclear protein, coactivator of histone transcription; minus strand). Cytogenetic location: 11q22.3.
Variant type: single nucleotide variant.
Coding change: c.1417A>T on transcript NM_002519.3 (MANE Select); coding-DNA position 1417, A replaced by T.
Protein change: p.Asn473Tyr; replaces asparagine 473 with tyrosine.
Molecular consequence: missense variant.
Genome position (GRCh38, 1-based): chr11:108,173,567, T>A on the plus strand (A>T on the coding strand, the complement: NPAT is on the minus strand). VCF-style: chr11-108173567-T-A. GRCh37 (hg19) VCF-style: chr11-108044294-T-A.
Other names: c.1417A>T, p.Asn473Tyr (NM_001321307.1); short protein forms N473Y.
Identifiers: ClinVar variation 3222467 (VCV003222467.1), dbSNP rs749814653, ClinGen allele CA382515306.
Genomic context (GRCh38, chr11:108,173,567, plus strand): 5'-TTGAAGACAAAGAGTTCTTTTCAATCCCTATAGCCATTTCAGTTTCAGTGGACATCTGAT[T>A]GGTGTATAATTCAGCACAATGTGGATTACATTCAGCATTAGAATTCCCTCTTTGGTTAAA-3'
Protein context (NP_002510.2, residues 463-483): CNPHCAELYT[Asn473Tyr]QMSTETEMAI